The following is an entry in ClinVar:

NM_018139.3(DNAAF2):c.648G>C (p.Glu216Asp)

Gene: DNAAF2 (dynein axonemal assembly factor 2; minus strand). Cytogenetic location: 14q21.3.
Variant type: single nucleotide variant.
Coding change: c.648G>C on transcript NM_018139.3 (MANE Select); coding-DNA position 648, G replaced by C.
Protein change: p.Glu216Asp; replaces glutamic acid 216 with aspartic acid.
Molecular consequence: missense variant.
Genome position (GRCh38, 1-based): chr14:49,634,502, C>G on the plus strand (G>C on the coding strand, the complement: DNAAF2 is on the minus strand). VCF-style: chr14-49634502-C-G. GRCh37 (hg19) VCF-style: chr14-50101220-C-G.
Other names: c.648G>C, p.Glu216Asp (NM_001083908.2); short protein forms E216D.
Identifiers: ClinVar variation 568447 (VCV000568447.6), dbSNP rs755099616, ClinGen allele CA7173064.
Genomic context (GRCh38, chr14:49,634,502, plus strand): 5'-GGGCCCGGGGGCTGCCGGGTACTGGTAAGGGTAGGGGAAGTCCGGGAGAGGACCCTTCGG[C>G]TCCCCGTCAGGCCTTGCGGGGATGACCCCGGGCAGGGGCGTGCGCAGCACCGCAGCCTCT-3'
Protein context (NP_060609.2, residues 206-226): PGVIPARPDG[Glu216Asp]PKGPLPDFPY

ClinVar aggregate classification (germline): Uncertain significance (1 of 4 stars; one submission).

Conditions:
Primary ciliary dyskinesia. Also called: Ciliary dyskinesia. Identifiers: Orphanet 244, MedGen C0008780, MONDO:0016575, HP:0012265.

Allele frequency attached by ClinVar (database versions not stated): gnomAD 0.00002 and 0.00003; TOPMed 0.00002; gnomAD exomes 0.00004; ExAC 0.00006.
gnomAD v4.1: 231 of 1,596,042 alleles (0.014%); highest among the groups gnomAD compares: Non-Finnish European, 0.019%; no homozygotes.

Submission:

Labcorp Genetics (formerly Invitae), Labcorp
Classification: Uncertain significance for Primary ciliary dyskinesia. Last evaluated: 2021-09-02. Review status: criteria provided, single submitter. Criteria: Invitae Variant Classification Sherloc (09022015). Collection method: clinical testing. Allele origin: germline.
Comment: This sequence change replaces glutamic acid with aspartic acid at codon 216 of the DNAAF2 protein (p.Glu216Asp). The glutamic acid residue is moderately conserved and there is a small physicochemical difference between glutamic acid and aspartic acid. This variant is present in population databases (rs755099616, ExAC 0.01%). This variant has not been reported in the literature in individuals affected with DNAAF2-related conditions. Algorithms developed to predict the effect of missense changes on protein structure and function output the following: SIFT: "Tolerated"; PolyPhen-2: "Benign"; Align-GVGD: "Class C0". The aspartic acid amino acid residue is found in multiple mammalian species, which suggests that this missense change does not adversely affect protein function. In summary, the available evidence is currently insufficient to determine the role of this variant in disease. Therefore, it has been classified as a Variant of Uncertain Significance.